The following is an entry in ClinVar:

ClinVar aggregate classification (germline): Uncertain significance. Review status: criteria provided, single submitter (1 of 4 stars). 2 submissions from 2 submitters: Uncertain significance (1). 1 of the submissions does not count toward it. Last evaluated 2022-02-02.

Conditions:
Moyamoya angiopathy with developmental delay.
Sifrim-Hitz-Weiss syndrome (SIHIWES). Also called: SIFRIM-HITZ-WEISS MULTIPLE CONGENITAL ANOMALIES-MENTAL RETARDATION SYNDROME; CHD4 Neurodevelopmental Disorder. Identifiers: Orphanet 653712, MedGen C4310688, MONDO:0014946, OMIM 617159.

Allele frequency attached by ClinVar (database versions not stated): gnomAD 0.00001; TOPMed 0.00001.
gnomAD v4.1: 4 of 1,614,016 alleles (0.00025%); highest among the groups gnomAD compares: Non-Finnish European, 0.00034%; no homozygotes.

Submissions (2):

Victorian Clinical Genetics Services, Murdoch Childrens Research Institute
Classification: Uncertain significance for Sifrim-Hitz-Weiss syndrome. Last evaluated: 2022-02-02. Review status: criteria provided, single submitter. Criteria: ACMG Guidelines, 2015. Collection method: clinical testing. Allele origin: germline. Inheritance: Autosomal dominant inheritance. Affected: yes.
Comment: Based on the classification scheme VCGS_Germline_v1.3.4, this variant is classified as VUS-3A. Following criteria are met: 0102 - Loss of function is a known mechanism of disease in this gene and is associated with Sifrim-Hitz-Weiss syndrome (MIM#617159). (I) 0107 - This gene is associated with autosomal dominant disease. (I) 0115 - Variants in this gene are known to have variable expressivity (PMID: 31388190). (I) 0200 - Variant is predicted to result in a missense amino acid change from proline to serine. (I) 0251 - This variant is heterozygous. (I) 0302 - Variant is present in gnomAD (v3) <0.001 for a dominant condition (1 heterozygote, 0 homozygotes). (SP) 0502 - Missense variant with conflicting in silico predictions and uninformative conservation. (I) 0604 - Variant is not located in an established domain, motif, hotspot or informative constraint region. (I) 0705 - No comparable missense variants have previous evidence for pathogenicity. (I) 0803 - This variant has limited previous evidence of pathogenicity in an unrelated individual. This variant has been reported in one patient with moyamoya angiopathy (PMID: 31474762). (SP) 0905 - No published segregation evidence has been identified for this variant. (I) 1007 - No published functional evidence has been identified for this variant. (I) Legend: (SP) - Supporting pathogenic, (I) - Information, (SB) - Supporting benign

University of Washington Center for Mendelian Genomics, University of Washington
Classification: Likely pathogenic for Moyamoya angiopathy with developmental delay. Review status: no assertion criteria provided. Collection method: research. Allele origin: unknown. Affected: yes. Not counted in ClinVar's aggregate classification.

Literature cited by the submitters: PubMed 31388190 (cited by Victorian Clinical Genetics Services, Murdoch Childrens Research Institute); PubMed 31474762 (cited by Victorian Clinical Genetics Services, Murdoch Childrens Research Institute and University of Washington Center for Mendelian Genomics, University of Washington).

NM_001273.5(CHD4):c.5638C>T (p.Pro1880Ser)

Genes: CHD4 (chromodomain helicase DNA binding protein 4; minus strand), CHD4-AS1 (CHD4 antisense RNA 1; plus strand). Cytogenetic location: 12p13.31.
Variant type: single nucleotide variant.
Coding change: c.5638C>T on transcript NM_001273.5 (MANE Select); coding-DNA position 5638, C replaced by T.
Protein change: p.Pro1880Ser; replaces proline 1880 with serine.
Molecular consequence: missense variant.
Genome position (GRCh38, 1-based): chr12:6,570,952, G>A on the plus strand (C>T on the coding strand, the complement: CHD4 is on the minus strand). VCF-style: chr12-6570952-G-A. GRCh37 (hg19) VCF-style: chr12-6680118-G-A.
Other names: c.5617C>T, p.Pro1873Ser (NM_001297553.2); c.5608C>T, p.Pro1870Ser (NM_001363606.2); short protein forms P1870S, P1873S, P1880S.
Identifiers: ClinVar variation 982183 (VCV000982183.2), dbSNP rs1947956104, ClinGen allele CA383635343.